The following is an entry in ClinVar:

NM_000089.4(COL1A2):c.3711+6G>A

Gene: COL1A2 (collagen type I alpha 2 chain; plus strand). Cytogenetic location: 7q21.3.
Variant type: single nucleotide variant.
Coding change: c.3711+6G>A on transcript NM_000089.4 (MANE Select); 6 bases into the intron after coding-DNA position 3711, G replaced by A.
Molecular consequence: intron variant.
Genome position (GRCh38, 1-based): chr7:94,428,483, G>A. VCF-style: chr7-94428483-G-A. GRCh37 (hg19) VCF-style: chr7-94057795-G-A.
Identifiers: ClinVar variation 2944962 (VCV002944962.3), dbSNP rs2484739881, ClinGen allele CA2740097414.

ClinVar aggregate classification (germline): Uncertain significance (1 of 4 stars; one submission).

Conditions:
Osteogenesis imperfecta type I (OI1). Also called: Lobstein disease; OI, TYPE I; OSTEOGENESIS IMPERFECTA TARDA; OSTEOGENESIS IMPERFECTA WITH BLUE SCLERAE; Osteogenesis imperfecta type 1; Lobstein's Disease. Identifiers: Orphanet 216796, Orphanet 666, MedGen C0023931, MONDO:0008146, OMIM 166200. Disease mechanism: loss of function.
Ehlers-Danlos syndrome, classic type, 1 (EDSCL1). Also called: EDS I; EHLERS-DANLOS SYNDROME, GRAVIS TYPE; EHLERS-DANLOS SYNDROME, SEVERE CLASSIC TYPE; Ehlers-Danlos syndrome, type 1; Ehlers-Danlos Syndrome, Classic Type, COL5A1-Related. Identifiers: MedGen C0268335, MONDO:0019567, OMIM 130000.

Submission:

Labcorp Genetics (formerly Invitae), Labcorp
Classification: Uncertain significance for Osteogenesis imperfecta type I; Ehlers-Danlos syndrome, classic type, 1. Last evaluated: 2023-10-13. Review status: criteria provided, single submitter. Criteria: Invitae Variant Classification Sherloc (09022015). Collection method: clinical testing. Allele origin: germline.
Comment: This sequence change falls in intron 50 of the COL1A2 gene. It does not directly change the encoded amino acid sequence of the COL1A2 protein. It affects a nucleotide within the consensus splice site. This variant is not present in population databases (gnomAD no frequency). This variant has not been reported in the literature in individuals affected with COL1A2-related conditions. Variants that disrupt the consensus splice site are a relatively common cause of aberrant splicing (PMID: 17576681, 9536098). Algorithms developed to predict the effect of sequence changes on RNA splicing suggest that this variant is not likely to affect RNA splicing. In summary, the available evidence is currently insufficient to determine the role of this variant in disease. Therefore, it has been classified as a Variant of Uncertain Significance.

Literature cited by the submitters: PubMed 17576681; PubMed 9536098.